The following is an entry in ClinVar:

NM_001035.3(RYR2):c.3844T>C (p.Cys1282Arg)

Genes: RYR2 (ryanodine receptor 2; plus strand), LOC126806067 (BRD4-independent group 4 enhancer GRCh37_chr1:237753258-237754457; plus strand). Cytogenetic location: 1q43.
Variant type: single nucleotide variant.
Coding change: c.3844T>C on transcript NM_001035.3 (MANE Select); coding-DNA position 3844, T replaced by C.
Protein change: p.Cys1282Arg; replaces cysteine 1282 with arginine.
Molecular consequence: missense variant.
Genome position (GRCh38, 1-based): chr1:237,590,676, T>C. VCF-style: chr1-237590676-T-C. GRCh37 (hg19) VCF-style: chr1-237753976-T-C.
Other names: c.3844T>C, p.Cys1282Arg (LRG_402t1); short protein forms C1282R.
Identifiers: ClinVar variation 373249 (VCV000373249.6), dbSNP rs1057518304, ClinGen allele CA16042382.

ClinVar aggregate classification (germline): Uncertain significance. Review status: criteria provided, multiple submitters, no conflicts (2 of 4 stars). 3 submissions from 3 submitters: Uncertain significance (3). Last evaluated 2025-05-25.

Conditions:
Cardiovascular phenotype. Identifiers: MedGen CN230736.
Catecholaminergic polymorphic ventricular tachycardia 1. Also called: VENTRICULAR TACHYCARDIA, STRESS-INDUCED POLYMORPHIC 1; VENTRICULAR TACHYCARDIA, CATECHOLAMINERGIC POLYMORPHIC, 1, WITH OR WITHOUT ATRIAL DYSFUNCTION AND/OR DILATED CARDIOMYOPATHY; RYR2-Related Catecholaminergic Polymorphic Ventricular Tachycardia. Identifiers: Orphanet 3286, MedGen C1631597, MONDO:0011484, OMIM 604772.

Allele frequency attached by ClinVar (database versions not stated): gnomAD exomes below 0.00001; TOPMed below 0.00001; gnomAD 0.00001.
gnomAD v4.1: 4 of 1,568,022 alleles (0.00026%); highest among the groups gnomAD compares: East Asian, 0.0023%; no homozygotes.

Submissions (3):

Labcorp Genetics (formerly Invitae), Labcorp
Classification: Uncertain significance for Catecholaminergic polymorphic ventricular tachycardia 1. Last evaluated: 2025-05-25. Review status: criteria provided, single submitter. Criteria: Invitae Variant Classification Sherloc (09022015). Collection method: clinical testing. Allele origin: germline.
Comment: This sequence change replaces cysteine, which is neutral and slightly polar, with arginine, which is basic and polar, at codon 1282 of the RYR2 protein (p.Cys1282Arg). This variant is present in population databases (no rsID available, gnomAD 0.007%). This variant has not been reported in the literature in individuals affected with RYR2-related conditions. ClinVar contains an entry for this variant (Variation ID: 373249). Invitae Evidence Modeling of protein sequence and biophysical properties (such as structural, functional, and spatial information, amino acid conservation, physicochemical variation, residue mobility, and thermodynamic stability) indicates that this missense variant is not expected to disrupt RYR2 protein function with a negative predictive value of 95%. In summary, the available evidence is currently insufficient to determine the role of this variant in disease. Therefore, it has been classified as a Variant of Uncertain Significance.

Ambry Genetics
Classification: Uncertain significance for Cardiovascular phenotype. Last evaluated: 2023-04-25. Review status: criteria provided, single submitter. Criteria: Ambry Variant Classification Scheme 2023. Collection method: clinical testing. Allele origin: germline.
Comment: The p.C1282R variant (also known as c.3844T>C), located in coding exon 31 of the RYR2 gene, results from a T to C substitution at nucleotide position 3844. The cysteine at codon 1282 is replaced by arginine, an amino acid with highly dissimilar properties. This amino acid position is highly conserved in available vertebrate species. In addition, this alteration is predicted to be deleterious by in silico analysis. Since supporting evidence is limited at this time, the clinical significance of this alteration remains unclear.

GeneDx
Classification: Uncertain significance. Last evaluated: 2016-11-17. Review status: criteria provided, single submitter. Criteria: GeneDx Variant Classification (06012015). Collection method: clinical testing. Allele origin: germline. Affected: yes.
Comment: A variant of uncertain significance has been identified in the RYR2 gene. The C1282R variant has not been published as a pathogenic variant or been reported as a benign variant to our knowledge. This variant was not observed in approximately 6,100 individuals of European and African American ancestry in the NHLBI Exome Sequencing Project or in the Exome Aggregation Consortium, indicating it is not a common benign variant in these populations. The C1282R variant is a non-conservative amino acid substitution, which is likely to impact secondary protein structure as these residues differ in polarity, charge, size and/or other properties. Additionally, this substitution occurs at a position that is conserved across species. Furthermore, in silico analysis predicts this variant is probably damaging to the protein structure/function. Nevertheless, the C1282R variant is not located in one of the three hot-spot regions of the RYR2 gene, where the majority of pathogenic missense variants occur (Medeiros-Domingo et al., 2009).Therefore, based on the currently available information, it is unclear whether this variant is pathogenic or benign.